The following is an entry in ClinVar:

NM_016222.4(DDX41):c.56G>A (p.Gly19Glu)

Gene: DDX41 (DEAD-box helicase 41; minus strand). Cytogenetic location: 5q35.3.
Variant type: single nucleotide variant.
Coding change: c.56G>A on transcript NM_016222.4 (MANE Select); coding-DNA position 56, G replaced by A.
Protein change: p.Gly19Glu; replaces glycine 19 with glutamic acid.
Molecular consequence: missense variant. On other transcripts: 5 prime UTR variant (2).
Genome position (GRCh38, 1-based): chr5:177,516,807, C>T on the plus strand (G>A on the coding strand, the complement: DDX41 is on the minus strand). VCF-style: chr5-177516807-C-T. GRCh37 (hg19) VCF-style: chr5-176943808-C-T.
Other names: c.-600G>A (NM_001321732.2); c.-392G>A (NM_001321830.2); short protein forms G19E.
Identifiers: ClinVar variation 3370889 (VCV003370889.2).

ClinVar aggregate classification (germline): Conflicting classifications of pathogenicity. Review status: criteria provided, conflicting classifications (1 of 4 stars). 2 submissions from 2 submitters: Uncertain significance (1); Likely benign (1). Last evaluated 2025-08-21.

Conditions:
Inborn genetic diseases. Identifiers: MedGen C0950123, MeSH D030342.

gnomAD v4.1: 4 of 1,612,566 alleles (0.00025%); highest among the groups gnomAD compares: South Asian, 0.0044%; no homozygotes.

Submissions (2):

Ambry Genetics
Classification: Likely benign for Inborn genetic diseases. Last evaluated: 2025-08-21. Review status: criteria provided, single submitter. Criteria: Ambry Variant Classification Scheme 2023. Collection method: clinical testing. Allele origin: germline.

GeneDx
Classification: Uncertain significance. Last evaluated: 2024-03-13. Review status: criteria provided, single submitter. Criteria: GeneDx Variant Classification Process June 2021. Collection method: clinical testing. Allele origin: germline. Affected: yes.
Comment: Not observed at significant frequency in large population cohorts (gnomAD); In silico analysis supports that this missense variant does not alter protein structure/function; Has not been previously published as pathogenic or benign to our knowledge